The following is an entry in ClinVar:

NM_017780.4(CHD7):c.2413del (p.Ile805fs)

Gene: CHD7 (chromodomain helicase DNA binding protein 7; plus strand). Cytogenetic location: 8q12.2.
Variant type: Deletion.
Coding change: c.2413del on transcript NM_017780.4 (MANE Select); coding-DNA position 2413, one base deleted (A; older notation c.2413delA).
Protein change: p.Ile805fs; shifts the reading frame from isoleucine 805.
Molecular consequence: frameshift variant. On other transcripts: intron variant (1).
Genome position (GRCh38, 1-based): chr8:60,801,564, A deleted; the last of 6 consecutive A bases (chr8:60,801,559-60,801,564); deleting any one gives the same sequence. VCF-style (leftmost placement, unchanged base first): chr8-60801558-GA-G. GRCh37 (hg19) VCF-style: chr8-61714117-GA-G.
Other names: c.1716+20514del (NM_001316690.1); short protein forms I805fs.
Identifiers: ClinVar variation 1790916 (VCV001790916.2), dbSNP rs1554593023, ClinGen allele CA2580078448.

ClinVar aggregate classification (germline): Pathogenic (1 of 4 stars; one submission).

Conditions:
Inborn genetic diseases. Identifiers: MedGen C0950123, MeSH D030342.

Submission:

Ambry Genetics
Classification: Pathogenic for Inborn genetic diseases. Last evaluated: 2015-03-11. Review status: criteria provided, single submitter. Criteria: Ambry Variant Classification Scheme 2023. Collection method: clinical testing. Allele origin: germline.
Comment: The c.2413delA pathogenic mutation located in coding exon 5 of the CHD7 gene, results from a deletion of one nucleotide at position 2413, causing a translational frameshift with a predicted alternate stop codon. Since frameshifts are typically deleterious in nature, this alteration is interpreted as a disease-causing mutation (ACMG Recommendations for Standards for Interpretation and Reporting of Sequence Variations. Revision 2007. Genet Med. 2008;10:294).